The following is an entry in ClinVar:

ClinVar aggregate classification (germline): Likely pathogenic (1 of 4 stars; one submission).

Conditions:
alpha Thalassemia. Also called: Alpha thalassemia spectrum. Identifiers: Orphanet 846, MedGen C0002312, MONDO:0011399, OMIM 604131.

Submission:

Natera, Inc.
Classification: Likely pathogenic for Alpha thalassemia. Last evaluated: 2024-03-28. Review status: criteria provided, single submitter. Criteria: Natera Variant Classification Schema (03/2026). Collection method: clinical testing. Allele origin: germline.
Comment: The c.118_125delACCAAGAC variant in HBA1 is a frameshift variant predicted to shift the reading frame beginning at codon 40 and leads to a stop codon 15 codons downstream. This variant is expected to result in nonsense mediated decay, truncation, or a dysfunctional protein product. This variant is rare in the general population with a frequency below the threshold expected for the associated phenotype(s). Given the available evidence, this variant is classified as Likely Pathogenic.

NM_000558.5(HBA1):c.118_125del (p.Thr40fs)

Genes: HBA1 (hemoglobin subunit alpha 1; plus strand), LOC106804613 (hemoglobin subunit alpha 1 recombination region; plus strand). Cytogenetic location: 16p13.3.
Variant type: Deletion.
Coding change: c.118_125del on transcript NM_000558.5 (MANE Select); coding-DNA positions 118 to 125, 8 bases deleted (ACCAAGAC; older notation c.118_125delACCAAGAC).
Protein change: p.Thr40fs; shifts the reading frame from threonine 40.
Molecular consequence: frameshift variant.
Genome position (GRCh38, 1-based): chr16:176,951-176,958, ACCAAGAC deleted; deleting any 8 consecutive bases within chr16:176,950-176,958 gives the same sequence; the c. name uses the placement nearest the transcript's 3' end. VCF-style (leftmost placement, unchanged base first): chr16-176949-CCACCAAGA-C. GRCh37 (hg19) VCF-style: chr16-226948-CCACCAAGA-C.
Other names: short protein forms T40fs.
Identifiers: ClinVar variation 4814363 (VCV004814363.1).
Genomic context (GRCh38, chr16:176,949, plus strand): 5'-CGGACCCAAACCCCACCCCTCACTCTGCTTCTCCCCGCAGGATGTTCCTGTCCTTCCCCA[CCACCAAGA>C]CCTACTTCCCGCACTTCGACCTGAGCCACGGCTCTGCCCAGGTTAAGGGCCACGGCAAGA-3'